The following is an entry in ClinVar:

ClinVar aggregate classification (germline): Uncertain significance (1 of 4 stars; one submission).

Conditions:
Ciliary dyskinesia, primary, 42. Also called: CILIARY DYSKINESIA, PRIMARY, 42, WITHOUT SITUS INVERSUS. Identifiers: MedGen C5231464, MONDO:0032872, OMIM 618695.

gnomAD v4.1: 1 of 1,535,976 alleles (0.000065%); highest among the groups gnomAD compares: Non-Finnish European, 0.000087%; no homozygotes.

Submission:

OLLIN Analises Genomicas, OLLIN
Classification: Uncertain significance for Ciliary dyskinesia, primary, 42. Last evaluated: 2026-08-06. Review status: criteria provided, single submitter. Criteria: ACMG Guidelines 2015 PMID 25741868. Collection method: clinical testing. Allele origin: germline. Inheritance: Autosomal recessive inheritance.
Comment: This missense variant, located in exon 7 (of 7), has been observed in gnomAD with an allele frequency of 0.000065%, but has not been reported in ClinVar or identified in the literature. In silico analysis predicts that this variant has a tolerated effect. According to the currently available evidence, this variant has been classified as uncertain significance (PM2_P, BP4_M).

NM_001190787.3(MCIDAS):c.1052G>A (p.Arg351His)

Gene: MCIDAS (multiciliate differentiation and DNA synthesis associated cell cycle protein; minus strand). Cytogenetic location: 5q11.2.
Variant type: single nucleotide variant.
Coding change: c.1052G>A on transcript NM_001190787.3 (MANE Select); coding-DNA position 1052, G replaced by A.
Protein change: p.Arg351His; replaces arginine 351 with histidine.
Molecular consequence: missense variant.
Genome position (GRCh38, 1-based): chr5:55,220,472, C>T on the plus strand (G>A on the coding strand, the complement: MCIDAS is on the minus strand). VCF-style: chr5-55220472-C-T. GRCh37 (hg19) VCF-style: chr5-54516300-C-T.
Other names: short protein forms R351H.
Identifiers: ClinVar variation 5002693 (VCV005002693.1).
Genomic context (GRCh38, chr5:55,220,472, plus strand): 5'-ATGGTGAAGGCATTGCCCTGGGGGAAGGCGAGGGTGCGGATGGTGCTGTGGCTGCGGATG[C>T]GGGTGCTGAAGGAGCCGCCCTCCTCCAGCTCACTGTGGCTCAGGTTCAACGCGCTCCGGC-3'
Protein context (NP_001177716.1, residues 341-361): ELEEGGSFST[Arg351His]IRSHSTIRTL